The following is an entry in ClinVar:

NM_003392.7(WNT5A):c.486C>T (p.Cys162=)

Gene: WNT5A (Wnt family member 5A; minus strand). Cytogenetic location: 3p14.3.
Variant type: single nucleotide variant.
Coding change: c.486C>T on transcript NM_003392.7 (MANE Select); coding-DNA position 486, C replaced by T.
Protein change: p.Cys162=; no amino-acid change (cysteine 162 retained).
Molecular consequence: synonymous variant.
Genome position (GRCh38, 1-based): chr3:55,474,535, G>A on the plus strand (C>T on the coding strand, the complement: WNT5A is on the minus strand). VCF-style: chr3-55474535-G-A. GRCh37 (hg19) VCF-style: chr3-55508563-G-A.
Other names: c.441C>T, p.Cys147= (NM_001256105.1, NM_001377271.1, NM_001377272.1); c.486C>T (NM_003392.4).
Identifiers: ClinVar variation 1620356 (VCV001620356.10), dbSNP rs771114367, ClinGen allele CA2459047.
Genomic context (GRCh38, chr3:55,474,535, plus strand): 5'-GCAGCCGCCCCAGAGCCAGTCCCGCGGCAGGTCCTTGGGGCGCGCGGCGCGGCTGCAGCC[G>A]CAGGTGGACAGCTCGCCCTCGCGGCACGCCCGGCTCATGGCGTTCACCACCCCTGCTGCG-3'
Protein context (NP_003383.4, residues 152-172): RACREGELST[Cys162=]GCSRAARPKD

ClinVar aggregate classification (germline): Likely benign. Review status: criteria provided, single submitter (1 of 4 stars). 2 submissions from 2 submitters: Likely benign (1). 1 of the submissions does not count toward it. Last evaluated 2023-02-16.

Conditions:
WNT5A-related disorder. Also called: WNT5A-related condition.

Allele frequency attached by ClinVar (database versions not stated): gnomAD 0.00001; gnomAD exomes 0.00001; ExAC 0.00005.
gnomAD v4.1: 11 of 1,556,902 alleles (0.00071%); highest among the groups gnomAD compares: East Asian, 0.0048%; no homozygotes.

Submissions (2):

Labcorp Genetics (formerly Invitae), Labcorp
Classification: Likely benign. Last evaluated: 2023-02-16. Review status: criteria provided, single submitter. Criteria: Invitae Variant Classification Sherloc (09022015). Collection method: clinical testing. Allele origin: germline.

PreventionGenetics, part of Exact Sciences
Classification: Likely benign for WNT5A-related condition. Last evaluated: 2021-11-01. Review status: no assertion criteria provided. Collection method: clinical testing. Allele origin: germline. Not counted in ClinVar's aggregate classification.
Comment: This variant is classified as likely benign based on ACMG/AMP sequence variant interpretation guidelines (Richards et al. 2015 PMID: 25741868, with internal and published modifications).